The following is an entry in ClinVar:

ClinVar aggregate classification (germline): Conflicting classifications of pathogenicity. Review status: criteria provided, conflicting classifications (1 of 4 stars). 4 submissions from 4 submitters: Uncertain significance (3); Likely benign (1). Last evaluated 2026-06-03.

Conditions:
Nephronophthisis. Also called: Juvenile Nephronophthisis. Identifiers: Orphanet 655, MedGen C0687120, MONDO:0019005, HP:0000090.
Nephronophthisis 1 (NPHP1). Also called: Nephronophthisis familial juvenile. Identifiers: Orphanet 655, Orphanet 93592, MedGen C1855681, MONDO:0009728, OMIM 256100.
Senior-Loken syndrome 1 (SLSN1). Also called: JUVENILE NEPHRONOPHTHISIS WITH LEBER AMAUROSIS. Identifiers: Orphanet 3156, MedGen C4551559, MONDO:0009962, OMIM 266900.
Joubert syndrome with renal defect. Also called: JOUBERT SYNDROME 4. Identifiers: Orphanet 220497, MedGen C1846790, MONDO:0012308, OMIM 609583.
NPHP1-related disorder. Also called: NPHP1-related disorders; NPHP1-related condition.

Allele frequency attached by ClinVar (database versions not stated): ExAC 0.00001; gnomAD exomes 0.00002; 1000 Genomes Project 30x 0.00016; gnomAD 0.00018 and 0.00021; TOPMed 0.00019; 1000 Genomes Project 0.00020.
gnomAD v4.1: 54 of 1,613,790 alleles (0.0033%); highest among the groups gnomAD compares: African/African-American, 0.067%; no homozygotes.

Submissions (4):

PreventionGenetics, part of Exact Sciences
Classification: Uncertain significance for NPHP1-related condition. Last evaluated: 2026-06-03. Review status: criteria provided, single submitter. Criteria: ACMG Guidelines, 2015. Collection method: clinical testing. Allele origin: germline.

Fulgent Genetics
Classification: Uncertain significance for Nephronophthisis 1; Senior-Loken syndrome 1; Joubert syndrome with renal defect. Last evaluated: 2024-05-02. Review status: criteria provided, single submitter. Criteria: ACMG Guidelines, 2015. Collection method: clinical testing. Allele origin: germline.

Blueprint Genetics
Classification: Likely benign. Last evaluated: 2024-03-12. Review status: criteria provided, single submitter. Criteria: ACMG Guidelines, 2015. Collection method: clinical testing. Allele origin: germline.

Labcorp Genetics (formerly Invitae), Labcorp
Classification: Uncertain significance for Nephronophthisis. Last evaluated: 2022-09-13. Review status: criteria provided, single submitter. Criteria: Invitae Variant Classification Sherloc (09022015). Collection method: clinical testing. Allele origin: germline.
Comment: This sequence change falls in intron 1 of the NPHP1 gene. It does not directly change the encoded amino acid sequence of the NPHP1 protein. It affects a nucleotide within the consensus splice site. This variant is present in population databases (rs570913772, gnomAD 0.06%). This variant has not been reported in the literature in individuals affected with NPHP1-related conditions. ClinVar contains an entry for this variant (Variation ID: 998616). Variants that disrupt the consensus splice site are a relatively common cause of aberrant splicing (PMID: 17576681, 9536098). Algorithms developed to predict the effect of sequence changes on RNA splicing suggest that this variant is not likely to affect RNA splicing. In summary, the available evidence is currently insufficient to determine the role of this variant in disease. Therefore, it has been classified as a Variant of Uncertain Significance.

Literature cited by the submitters: PubMed 17576681 (cited by Labcorp Genetics (formerly Invitae), Labcorp); PubMed 9536098 (cited by Labcorp Genetics (formerly Invitae), Labcorp).

NM_001128178.3(NPHP1):c.69+4T>C

Gene: NPHP1 (nephrocystin 1; minus strand). Cytogenetic location: 2q13.
Variant type: single nucleotide variant.
Coding change: c.69+4T>C on transcript NM_001128178.3 (MANE Select); 4 bases into the intron after coding-DNA position 69, T replaced by C.
Molecular consequence: intron variant.
Genome position (GRCh38, 1-based): chr2:110,204,896, A>G on the plus strand (T>C on the coding strand, the complement: NPHP1 is on the minus strand). VCF-style: chr2-110204896-A-G. GRCh37 (hg19) VCF-style: chr2-110962473-A-G.
Other names: c.69+4T>C (NM_001128179.3, NM_001374256.1, NM_001374257.1 and 4 more transcripts).
Identifiers: ClinVar variation 998616 (VCV000998616.9), dbSNP rs570913772, ClinGen allele CA1827533.
Genomic context (GRCh38, chr2:110,204,896, plus strand): 5'-GCAGTGCGCGCAGCTGCGTCCGCCTGTCGCCCGCCCCAGGGCCCTCTGCACAGCCTGACC[A>G]TACCTGTTGCTTCAGCTCCTGATTGCGGCGCCGCAGGGCCTGGAGAGGATCTCGCTGTCG-3'